The following is an entry in ClinVar:

NM_017777.4(MKS1):c.1425C>A (p.Arg475=)

Gene: MKS1 (MKS transition zone complex subunit 1; minus strand). Cytogenetic location: 17q22.
Variant type: single nucleotide variant.
Coding change: c.1425C>A on transcript NM_017777.4 (MANE Select); coding-DNA position 1425, C replaced by A.
Protein change: p.Arg475=; no amino-acid change (arginine 475 retained).
Molecular consequence: synonymous variant. On other transcripts: intron variant (2).
Genome position (GRCh38, 1-based): chr17:58,206,530, G>T on the plus strand (C>A on the coding strand, the complement: MKS1 is on the minus strand). VCF-style: chr17-58206530-G-T. GRCh37 (hg19) VCF-style: chr17-56283891-G-T.
Other names: c.816C>A, p.Arg272= (NM_001321268.2); c.1274-150C>A (NM_001330397.2); c.1408-150C>A (NM_001321269.2); c.1425C>A (NM_017777.3).
Identifiers: ClinVar variation 1126953 (VCV001126953.11), dbSNP rs2143738206, ClinGen allele CA501324282.

ClinVar aggregate classification (germline): Likely benign. Review status: criteria provided, single submitter (1 of 4 stars). 2 submissions from 2 submitters: Likely benign (1). 1 of the submissions does not count toward it. Last evaluated 2023-11-17.

Conditions:
MKS1-related disorder. Also called: MKS1-related disorders; MKS1-related condition. Identifiers: MedGen CN239382.
Meckel-Gruber syndrome. Also called: Dysencephalia splachnocystica; DYSENCEPHALIA SPLANCHNOCYSTICA; GRUBER SYNDROME. Identifiers: Orphanet 564, MedGen C0265215, MONDO:0018921.
Joubert syndrome. Also called: JOUBERT-BOLTSHAUSER SYNDROME; Familial aplasia of the vermis. Identifiers: Orphanet 475, MedGen C5979921, MONDO:0018772.

Submissions (2):

Labcorp Genetics (formerly Invitae), Labcorp
Classification: Likely benign for Joubert syndrome; Meckel-Gruber syndrome. Last evaluated: 2023-11-17. Review status: criteria provided, single submitter. Criteria: Invitae Variant Classification Sherloc (09022015). Collection method: clinical testing. Allele origin: germline.

PreventionGenetics, part of Exact Sciences
Classification: Likely benign for MKS1-related condition. Last evaluated: 2022-04-08. Review status: no assertion criteria provided. Collection method: clinical testing. Allele origin: germline. Not counted in ClinVar's aggregate classification.
Comment: This variant is classified as likely benign based on ACMG/AMP sequence variant interpretation guidelines (Richards et al. 2015 PMID: 25741868, with internal and published modifications).